The following is an entry in ClinVar:

ClinVar aggregate classification (germline): Uncertain significance (1 of 4 stars; one submission).

Submission:

Labcorp Genetics (formerly Invitae), Labcorp
Classification: Uncertain significance. Last evaluated: 2025-07-29. Review status: criteria provided, single submitter. Criteria: Invitae Variant Classification Sherloc (09022015). Collection method: clinical testing. Allele origin: germline.
Comment: This sequence change replaces proline, which is neutral and non-polar, with alanine, which is neutral and non-polar, at codon 352 of the KAT6A protein (p.Pro352Ala). This variant is not present in population databases (gnomAD no frequency). This variant has not been reported in the literature in individuals affected with KAT6A-related conditions. ClinVar contains an entry for this variant (Variation ID: 2984423). Invitae Evidence Modeling of protein sequence and biophysical properties (such as structural, functional, and spatial information, amino acid conservation, physicochemical variation, residue mobility, and thermodynamic stability) indicates that this missense variant is not expected to disrupt KAT6A protein function with a negative predictive value of 95%. In summary, the available evidence is currently insufficient to determine the role of this variant in disease. Therefore, it has been classified as a Variant of Uncertain Significance.

NM_006766.5(KAT6A):c.1054C>G (p.Pro352Ala)

Gene: KAT6A (lysine acetyltransferase 6A; minus strand). Cytogenetic location: 8p11.21.
Variant type: single nucleotide variant.
Coding change: c.1054C>G on transcript NM_006766.5 (MANE Select); coding-DNA position 1054, C replaced by G.
Protein change: p.Pro352Ala; replaces proline 352 with alanine.
Molecular consequence: missense variant.
Genome position (GRCh38, 1-based): chr8:41,977,317, G>C on the plus strand (C>G on the coding strand, the complement: KAT6A is on the minus strand). VCF-style: chr8-41977317-G-C. GRCh37 (hg19) VCF-style: chr8-41834835-G-C.
Other names: c.1054C>G, p.Pro352Ala (NM_001305878.2); short protein forms P352A.
Identifiers: ClinVar variation 2984423 (VCV002984423.3), dbSNP rs754809862, ClinGen allele CA371076540.
Genomic context (GRCh38, chr8:41,977,317, plus strand): 5'-TGGAAAGAGTGATTTTTCGTTTCCTACCCCTTCCAGGGCCAGTTCGAACTTTGCTGAAGG[G>C]ACCTTTTGATCTAAACAATTAAACAGGGGAAAGGGTAAGTATTAAAAAAGATACTTGTAA-3'
Protein context (NP_006757.2, residues 342-362): LKKQNTVSKG[Pro352Ala]FSKVRTGPGR